The following is an entry in ClinVar:

NM_004104.5(FASN):c.2990G>A (p.Arg997His)

Gene: FASN (fatty acid synthase; minus strand). Cytogenetic location: 17q25.3.
Variant type: single nucleotide variant.
Coding change: c.2990G>A on transcript NM_004104.5 (MANE Select); coding-DNA position 2990, G replaced by A.
Protein change: p.Arg997His; replaces arginine 997 with histidine.
Molecular consequence: missense variant.
Genome position (GRCh38, 1-based): chr17:82,087,738, C>T on the plus strand (G>A on the coding strand, the complement: FASN is on the minus strand). VCF-style: chr17-82087738-C-T. GRCh37 (hg19) VCF-style: chr17-80045614-C-T.
Other names: short protein forms R997H.
Identifiers: ClinVar variation 964164 (VCV000964164.8), dbSNP rs765011040, ClinGen allele CA8852560.
Genomic context (GRCh38, chr17:82,087,738, plus strand): 5'-TACCCACCTTCCAGGCTGGCCTCCAGGATGCCCTGGAAATGAGGGCCGTAGTCGTAGCCA[C>T]GCAGACGCAGCTCCTTGTAAACTTCAGCCTGGGCCAGGAAGAGGGGCTCCGTGGGGTTGG-3'
Protein context (NP_004095.4, residues 987-1007): QAEVYKELRL[Arg997His]GYDYGPHFQG

ClinVar aggregate classification (germline): Uncertain significance (1 of 4 stars; one submission).

Conditions:
Epileptic encephalopathy. Identifiers: MedGen C0543888, HP:0200134.

Allele frequency attached by ClinVar (database versions not stated): gnomAD 0.00001; ExAC 0.00003.
gnomAD v4.1: 23 of 1,612,316 alleles (0.0014%); highest among the groups gnomAD compares: South Asian, 0.0055%; no homozygotes.

Submission:

Labcorp Genetics (formerly Invitae), Labcorp
Classification: Uncertain significance for Epileptic encephalopathy. Last evaluated: 2024-08-05. Review status: criteria provided, single submitter. Criteria: Invitae Variant Classification Sherloc (09022015). Collection method: clinical testing. Allele origin: germline.
Comment: This sequence change replaces arginine, which is basic and polar, with histidine, which is basic and polar, at codon 997 of the FASN protein (p.Arg997His). This variant is present in population databases (rs765011040, gnomAD 0.007%). This variant has not been reported in the literature in individuals affected with FASN-related conditions. ClinVar contains an entry for this variant (Variation ID: 964164). An algorithm developed to predict the effect of missense changes on protein structure and function (PolyPhen-2) suggests that this variant is likely to be tolerated. In summary, the available evidence is currently insufficient to determine the role of this variant in disease. Therefore, it has been classified as a Variant of Uncertain Significance.